The following is an entry in ClinVar:

NM_000946.3(PRIM1):c.1216C>T (p.Arg406Ter)

Gene: PRIM1 (DNA primase subunit 1; minus strand). Cytogenetic location: 12q13.3.
Variant type: single nucleotide variant.
Coding change: c.1216C>T on transcript NM_000946.3 (MANE Select); coding-DNA position 1216, C replaced by T.
Protein change: p.Arg406Ter; replaces arginine 406 with a stop codon.
Molecular consequence: nonsense.
Genome position (GRCh38, 1-based): chr12:56,734,174, G>A on the plus strand (C>T on the coding strand, the complement: PRIM1 is on the minus strand). VCF-style: chr12-56734174-G-A. GRCh37 (hg19) VCF-style: chr12-57127958-G-A.
Other names: short protein forms R406*.
Identifiers: ClinVar variation 3896346 (VCV003896346.2).

ClinVar aggregate classification (germline): Uncertain significance (1 of 4 stars; one submission).

gnomAD v4.1: 5 of 1,606,896 alleles (0.00031%); highest among the groups gnomAD compares: East Asian, 0.0022%; no homozygotes.

Submission:

Women's Health and Genetics/Laboratory Corporation of America, LabCorp
Classification: Uncertain significance. Last evaluated: 2025-04-10. Review status: criteria provided, single submitter. Criteria: LabCorp Variant Classification Summary - May 2015. Collection method: clinical testing. Allele origin: germline.
Comment: Variant summary: PRIM1 c.1216C>T (p.Arg406X) results in a premature termination codon, predicted to cause a truncation of the encoded protein or absence of the protein due to nonsense mediated decay, however current evidence is not sufficient to establish loss of function as a mechanism for disease. The variant allele was found at a frequency of 8.1e-06 in 248078 control chromosomes. The available data on variant occurrences in the general population are insufficient to allow any conclusion about variant significance. To our knowledge, no occurrence of c.1216C>T in individuals affected with Primordial Dwarfism-Immunodeficiency Syndrome and no experimental evidence demonstrating its impact on protein function have been reported. No submitters have cited clinical-significance assessments for this variant to ClinVar. Based on the evidence outlined above, the variant was classified as uncertain significance.